The following is an entry in ClinVar:

ClinVar aggregate classification (germline): Uncertain significance (1 of 4 stars; one submission).

gnomAD v4.1: 1 of 1,586,286 alleles (0.000063%); highest among the groups gnomAD compares: Non-Finnish European, 0.000086%; no homozygotes.

Submission:

Labcorp Genetics (formerly Invitae), Labcorp
Classification: Uncertain significance. Last evaluated: 2025-08-12. Review status: criteria provided, single submitter. Criteria: Invitae Variant Classification Sherloc (09022015). Collection method: clinical testing. Allele origin: germline.
Comment: This sequence change replaces glycine, which is neutral and non-polar, with aspartic acid, which is acidic and polar, at codon 662 of the MCM5 protein (p.Gly662Asp). This variant is not present in population databases (gnomAD no frequency). This variant has not been reported in the literature in individuals affected with MCM5-related conditions. Invitae Evidence Modeling of protein sequence and biophysical properties (such as structural, functional, and spatial information, amino acid conservation, physicochemical variation, residue mobility, and thermodynamic stability) indicates that this missense variant is not expected to disrupt MCM5 protein function with a negative predictive value of 80%. In summary, the available evidence is currently insufficient to determine the role of this variant in disease. Therefore, it has been classified as a Variant of Uncertain Significance.

NM_006739.4(MCM5):c.1985G>A (p.Gly662Asp)

Gene: MCM5 (minichromosome maintenance complex component 5; plus strand). Cytogenetic location: 22q12.3.
Variant type: single nucleotide variant.
Coding change: c.1985G>A on transcript NM_006739.4 (MANE Select); coding-DNA position 1985, G replaced by A.
Protein change: p.Gly662Asp; replaces glycine 662 with aspartic acid.
Molecular consequence: missense variant.
Genome position (GRCh38, 1-based): chr22:35,423,223, G>A. VCF-style: chr22-35423223-G-A. GRCh37 (hg19) VCF-style: chr22-35819216-G-A.
Other names: short protein forms G662D.
Identifiers: ClinVar variation 4806499 (VCV004806499.1).
Genomic context (GRCh38, chr22:35,423,223, plus strand): 5'-GAACTCCCATTGTCCCAGCTCCCCGGCTGCCTCACTTCTCCATGCCCACAGGGGTGGAGG[G>A]CTTCACCAGCCAGGAGGACCAGGAGATGCTGAGCCGCATCGAGAAGCAGCTCAAGCGCCG-3'
Protein context (NP_006730.2, residues 652-672): ALSGTLSGVE[Gly662Asp]FTSQEDQEML